The following is an entry in ClinVar:

NM_001371596.2(MFSD8):c.863+1G>A

Gene: MFSD8 (major facilitator superfamily domain containing 8; minus strand). Cytogenetic location: 4q28.2.
Variant type: single nucleotide variant.
Coding change: c.863+1G>A on transcript NM_001371596.2 (MANE Select); the canonical splice donor site of the intron after coding-DNA position 863, G replaced by A.
Molecular consequence: splice donor variant.
Genome position (GRCh38, 1-based): chr4:127,932,984, C>T on the plus strand (G>A on the coding strand, the complement: MFSD8 is on the minus strand). VCF-style: chr4-127932984-C-T. GRCh37 (hg19) VCF-style: chr4-128854139-C-T.
Other names: c.581+1G>A (NM_001371595.1); c.413+1G>A (NM_001410765.1); c.728+1G>A (NM_001371590.2); c.863+1G>A (NM_152778.4, NM_001371591.2); c.548+1G>A (NM_001363521.3); c.749+1G>A (NM_001410766.1, NM_001371593.2); c.662+1G>A (NM_001363520.3); c.716+1G>A (NM_001371594.2); and 1 more.
Identifiers: ClinVar variation 504888 (VCV000504888.27), dbSNP rs200319160, ClinGen allele CA105679760.

ClinVar aggregate classification (germline): Pathogenic. Review status: criteria provided, multiple submitters, no conflicts (2 of 4 stars). 10 submissions from 10 submitters: Pathogenic (10). Last evaluated 2026-02-01.

Conditions:
Inborn genetic diseases. Identifiers: MedGen C0950123, MeSH D030342.
Late-infantile neuronal ceroid lipofuscinosis. Also called: Jansky-Bielschowsky disease. Identifiers: MedGen C0022340, MONDO:0015674.
Neuronal ceroid lipofuscinosis 7 (CLN7). Also called: MFSD8-Related Neuronal Ceroid-Lipofuscinosis. Identifiers: Orphanet 168491, Orphanet 228366, MedGen C1838571, MONDO:0012588, OMIM 610951.

gnomAD v4.1: 13 of 1,606,196 alleles (0.00081%); highest among the groups gnomAD compares: East Asian, 0.0067%; no homozygotes.

Submissions (10):

Labcorp Genetics (formerly Invitae), Labcorp
Classification: Pathogenic for Neuronal ceroid lipofuscinosis 7. Last evaluated: 2026-02-01. Review status: criteria provided, single submitter. Criteria: Invitae Variant Classification Sherloc (09022015). Collection method: clinical testing. Allele origin: germline.
Comment: This sequence change affects a donor splice site in intron 9 of the MFSD8 gene. It is expected to disrupt RNA splicing. Variants that disrupt the donor or acceptor splice site typically lead to a loss of protein function (PMID: 16199547), and loss-of-function variants in MFSD8 are known to be pathogenic (PMID: 19177532, 25227500, 28586915). This variant is present in population databases (rs200319160, gnomAD 0.006%). Disruption of this splice site has been observed in individuals with MFSD8-related conditions (PMID: 19177532, 28600779). ClinVar contains an entry for this variant (Variation ID: 504888). Algorithms developed to predict the effect of sequence changes on RNA splicing suggest that this variant may disrupt the consensus splice site. For these reasons, this variant has been classified as Pathogenic.

De Paul lab, Instituto de Investigacion En Ciencias de La Salud , Consejo Nacional de Investigaciones Cientificas y Tecnicas
Classification: Pathogenic for Neuronal ceroid lipofuscinosis 7. Last evaluated: 2024-08-01. Review status: criteria provided, single submitter. Criteria: ACMG Guidelines, 2015. Collection method: clinical testing, in vitro. Allele origin: inherited, not applicable. Inheritance: Autosomal recessive inheritance. Affected: yes. Observed: 1 variant allele, 1 compound heterozygote. Functional consequence: sequence_variant_affecting_splicing.

Natera, Inc.
Classification: Pathogenic for Late-infantile neuronal ceroid lipofuscinosis. Last evaluated: 2024-07-03. Review status: criteria provided, single submitter. Criteria: Natera Variant Classification Schema (03/2026). Collection method: clinical testing. Allele origin: germline.
Comment: The c.863+1G>A variant in MFSD8 is a canonical splice donor site variant predicted to affect pre-mRNA splicing, which may result in an abnormal transcript and altered protein product. This variant is expected to result in nonsense mediated decay, truncation, or a dysfunctional protein product. This variant is rare in the general population with a frequency below the threshold expected for the associated phenotype(s). This variant has been observed in one or more individuals affected with the associated recessive disease, as either homozygous or compound heterozygous with a second variant (PMID: 27848944). Given the available evidence, this variant is classified as Pathogenic.

Genomic Medicine Center of Excellence, King Faisal Specialist Hospital and Research Centre
Classification: Pathogenic for Neuronal ceroid lipofuscinosis 7. Last evaluated: 2024-03-17. Review status: criteria provided, single submitter. Criteria: ACMG Guidelines, 2015. Collection method: research. Allele origin: germline.

GeneDx
Classification: Pathogenic. Last evaluated: 2023-05-16. Review status: criteria provided, single submitter. Criteria: GeneDx Variant Classification Process June 2021. Collection method: clinical testing. Allele origin: germline. Affected: yes.
Comment: Canonical splice site variant predicted to result in a null allele in a gene for which loss of function is a known mechanism of disease; Not observed at significant frequency in large population cohorts (gnomAD); This variant is associated with the following publications: (PMID: 31589614, 19177532, 36034292, 33333116, 30609409, 28600779)

Ambry Genetics
Classification: Pathogenic for Inborn genetic diseases. Last evaluated: 2022-08-12. Review status: criteria provided, single submitter. Criteria: Ambry Variant Classification Scheme 2023. Collection method: clinical testing. Allele origin: germline.
Comment: The c.863+1G>A intronic alteration consists of a G to A substitution one nucleotide after exon 9 (coding exon 8) of the MFSD8 gene. Alterations that disrupt the canonical splice site are expected to cause aberrant splicing, resulting in an abnormal protein or a transcript that is subject to nonsense-mediated mRNA decay. Based on data from gnomAD, the A allele has an overall frequency of <0.001% (1/251090) total alleles studied. The highest observed frequency was 0.005% (1/18394) of East Asian alleles. This alteration has been reported in the homozygous state in individuals with features consistent with MFSD8-related neuronal ceroid lipofuscinosis (Aiello, 2009; Monies, 2017). This nucleotide position is highly conserved in available vertebrate species. In silico splice site analysis predicts that this alteration will weaken the native splice donor site. Based on the available evidence, this alteration is classified as pathogenic.

Revvity Omics, Revvity
Classification: Pathogenic. Last evaluated: 2021-12-31. Review status: criteria provided, single submitter. Criteria: ACMG Guidelines, 2015. Collection method: clinical testing. Allele origin: germline.

MGZ Medical Genetics Center
Classification: Pathogenic for Neuronal ceroid lipofuscinosis 7. Last evaluated: 2021-10-22. Review status: criteria provided, single submitter. Criteria: ACMG Guidelines, 2015. Collection method: clinical testing. Allele origin: germline. Affected: yes. Observed: 1 variant allele.
Comment: ACMG criteria applied: PVS1, PM3, PM6, PM2_SUP

Laboratory for Molecular Medicine, Mass General Brigham Personalized Medicine
Classification: Pathogenic. Last evaluated: 2016-02-19. Review status: criteria provided, single submitter. Criteria: LMM Criteria. Collection method: clinical testing. Allele origin: germline. Inheritance: Autosomal recessive inheritance. Observed: 1 variant allele.
Comment: The c.863+1G>A variant in MFSD8 has not been previously reported in individuals with late-infantile neuronal ceroid lipofuscinosis and was absent from large pop ulation studies. This variant occurs in the invariant region (+/- 1,2) of the sp lice consensus sequence and is predicted to cause altered splicing leading to an abnormal or absent protein. In summary, this variant meets our criteria to be c lassified as pathogenic for late-infantile neuronal ceroid lipofuscinosis in an autosomal recessive manner.

Neuberg Centre For Genomic Medicine, NCGM
Classification: Pathogenic for Neuronal ceroid lipofuscinosis 7. Review status: criteria provided, single submitter. Criteria: ACMG Guidelines, 2015. Collection method: clinical testing. Allele origin: germline. Inheritance: Autosomal recessive inheritance. Affected: yes.
Comment: The MFSD8 c.863+1G>A variant has been reported in individuals affected with Ceroid lipofuscinosis, neuronal, 7 (Monies et. al., 2017; Aiello et.al., 2009). The c.863+1G>A variant is novel (not in any individuals) in 1000 Genomes and has allele frequency of 0.0004% in gnomAD database. This variant has been reported to the ClinVar database as Pathogenic. Donor and acceptor splice site variants typically lead to a loss of protein function (Baralle D, Baralle M., 2005) and loss-of-function variants in MFSD8 are known to be pathogenic (Aiello et.al., 2009). For these reasons, this variant has been classified as Pathogenic.

Literature cited by the submitters: PubMed 16199547 (cited by Labcorp Genetics (formerly Invitae), Labcorp); PubMed 19177532 (cited by Labcorp Genetics (formerly Invitae), Labcorp and Ambry Genetics); PubMed 25227500 (cited by Labcorp Genetics (formerly Invitae), Labcorp); PubMed 28586915 (cited by Labcorp Genetics (formerly Invitae), Labcorp); PubMed 28600779 (cited by Labcorp Genetics (formerly Invitae), Labcorp and Ambry Genetics); PubMed 27848944 (cited by Natera, Inc.).